The following is an entry in ClinVar:

NM_000090.4(COL3A1):c.2308C>T (p.Pro770Ser)

Gene: COL3A1 (collagen type III alpha 1 chain; plus strand). Cytogenetic location: 2q32.2.
Variant type: single nucleotide variant.
Coding change: c.2308C>T on transcript NM_000090.4 (MANE Select); coding-DNA position 2308, C replaced by T.
Protein change: p.Pro770Ser; replaces proline 770 with serine.
Molecular consequence: missense variant.
Genome position (GRCh38, 1-based): chr2:189,001,421, C>T. VCF-style: chr2-189001421-C-T. GRCh37 (hg19) VCF-style: chr2-189866147-C-T.
Other names: short protein forms P770S.
Identifiers: ClinVar variation 2775121 (VCV002775121.6), dbSNP rs770241798, ClinGen allele CA075200.

ClinVar aggregate classification (germline): Uncertain significance. Review status: criteria provided, multiple submitters, no conflicts (2 of 4 stars). 3 submissions from 3 submitters: Uncertain significance (3). Last evaluated 2024-02-23.

Conditions:
Ehlers-Danlos syndrome, type 4 (EDSVASC). Also called: Ehlers-Danlos Syndrome Type IV; Ehlers-Danlos syndrome vascular type; Ehlers Danlos syndrome, ecchymotic type; Ehlers Danlos syndrome, arterial type; Ehlers Danlos syndrome, Sack-Barabas type. Identifiers: Orphanet 286, MedGen C0268338, MONDO:0017314, OMIM 130050.
Familial thoracic aortic aneurysm and aortic dissection (TAAD). Also called: Thoracic aortic aneurysms and dissections. Identifiers: Orphanet 91387, MedGen C4707243, MONDO:0019625.

Allele frequency attached by ClinVar (database versions not stated): TOPMed below 0.00001; ExAC 0.00001; gnomAD exomes 0.00002.
gnomAD v4.1: 29 of 1,613,872 alleles (0.0018%); highest among the groups gnomAD compares: Non-Finnish European, 0.0024%; no homozygotes.

Submissions (3):

Labcorp Genetics (formerly Invitae), Labcorp
Classification: Uncertain significance for Ehlers-Danlos syndrome, type 4. Last evaluated: 2024-02-23. Review status: criteria provided, single submitter. Criteria: Invitae Variant Classification Sherloc (09022015). Collection method: clinical testing. Allele origin: germline.
Comment: This sequence change replaces proline, which is neutral and non-polar, with serine, which is neutral and polar, at codon 770 of the COL3A1 protein (p.Pro770Ser). This variant is present in population databases (rs770241798, gnomAD 0.002%). This variant has not been reported in the literature in individuals affected with COL3A1-related conditions. Advanced modeling of protein sequence and biophysical properties (such as structural, functional, and spatial information, amino acid conservation, physicochemical variation, residue mobility, and thermodynamic stability) performed at Invitae indicates that this missense variant is not expected to disrupt COL3A1 protein function with a negative predictive value of 95%. In summary, the available evidence is currently insufficient to determine the role of this variant in disease. Therefore, it has been classified as a Variant of Uncertain Significance.

All of Us Research Program, National Institutes of Health
Classification: Uncertain significance for Ehlers-Danlos syndrome, type 4. Last evaluated: 2023-06-08. Review status: criteria provided, single submitter. Criteria: ACMG Guidelines, 2015. Collection method: clinical testing. Allele origin: germline. Inheritance: Autosomal dominant inheritance. Observed: 1 variant allele, 1 heterozygote.
Comment: This missense variant replaces proline with serine at codon 770 of the COL3A1 protein. Computational prediction suggests that this variant may have deleterious impact on protein structure and function (internally defined REVEL score threshold >= 0.7, PMID: 27666373). To our knowledge, functional studies have not been reported for this variant. This variant has not been reported in individuals affected with COL3A1-related disorders in the literature. This variant has been identified in 2/251150 chromosomes in the general population by the Genome Aggregation Database (gnomAD). The available evidence is insufficient to determine the role of this variant in disease conclusively. Therefore, this variant is classified as a Variant of Uncertain Significance.

This study involves interpretation of variants in research participants for the purpose of population health screening. Participant phenotype was not available at the time of variant classification. Additional details can be found in publication PMID: 35346344, PMCID: PMC8962531

Color Diagnostics, LLC DBA Color Health
Classification: Uncertain significance for Familial thoracic aortic aneurysm and aortic dissection. Last evaluated: 2023-05-09. Review status: criteria provided, single submitter. Criteria: ACMG Guidelines, 2015. Collection method: clinical testing. Allele origin: germline.
Comment: This missense variant replaces proline with serine at codon 770 of the COL3A1 protein. Computational prediction suggests that this variant may have deleterious impact on protein structure and function (internally defined REVEL score threshold >= 0.7, PMID: 27666373). To our knowledge, functional studies have not been reported for this variant. This variant has not been reported in individuals affected with COL3A1-related disorders in the literature. This variant has been identified in 2/251150 chromosomes in the general population by the Genome Aggregation Database (gnomAD). The available evidence is insufficient to determine the role of this variant in disease conclusively. Therefore, this variant is classified as a Variant of Uncertain Significance.